The following is an entry in ClinVar:

NM_001202.6(BMP4):c.632G>A (p.Arg211Gln)

Gene: BMP4 (bone morphogenetic protein 4; minus strand). Cytogenetic location: 14q22.2.
Variant type: single nucleotide variant.
Coding change: c.632G>A on transcript NM_001202.6 (MANE Select); coding-DNA position 632, G replaced by A.
Protein change: p.Arg211Gln; replaces arginine 211 with glutamine.
Molecular consequence: missense variant.
Genome position (GRCh38, 1-based): chr14:53,950,627, C>T on the plus strand (G>A on the coding strand, the complement: BMP4 is on the minus strand). VCF-style: chr14-53950627-C-T. GRCh37 (hg19) VCF-style: chr14-54417345-C-T.
Other names: c.632G>A (NM_001202.3); c.773G>A, p.Arg258Gln (NM_001347912.1); c.443G>A, p.Arg148Gln (NM_001347913.2, NM_001347915.2, NM_001347917.1); c.632G>A, p.Arg211Gln (NM_001347914.2, NM_001347916.1, NM_130850.5 and 1 more transcripts); short protein forms R148Q, R211Q, R258Q.
Identifiers: ClinVar variation 2167325 (VCV002167325.7), dbSNP rs777345984, ClinGen allele CA7191703.

ClinVar aggregate classification (germline): Uncertain significance. Review status: criteria provided, multiple submitters, no conflicts (2 of 4 stars). 2 submissions from 2 submitters: Uncertain significance (2). Last evaluated 2025-09-26.

Conditions:
Inborn genetic diseases. Identifiers: MedGen C0950123, MeSH D030342.
Microphthalmia with brain and digit anomalies (MCOPS6). Also called: Microphthalmia, syndromic 6; MICROPHTHALMIA AND PITUITARY ANOMALIES. Identifiers: Orphanet 139471, MedGen C1864689, MONDO:0011936, OMIM 607932.
Orofacial cleft 11 (OFC11). Also called: Orofacial cleft 11; ofc11; CLEFT LIP WITH OR WITHOUT CLEFT PALATE, NONSYNDROMIC, 11. Identifiers: MedGen C2677434, MONDO:0010906, OMIM 600625.

Allele frequency attached by ClinVar (database versions not stated): gnomAD exomes 0.00001; TOPMed 0.00001; ExAC 0.00002.

Submissions (2):

Ambry Genetics
Classification: Uncertain significance for Inborn genetic diseases. Last evaluated: 2025-09-26. Review status: criteria provided, single submitter. Criteria: Ambry Variant Classification Scheme 2023. Collection method: clinical testing. Allele origin: germline.

Labcorp Genetics (formerly Invitae), Labcorp
Classification: Uncertain significance for Microphthalmia with brain and digit anomalies; Orofacial cleft 11. Last evaluated: 2024-01-24. Review status: criteria provided, single submitter. Criteria: Invitae Variant Classification Sherloc (09022015). Collection method: clinical testing. Allele origin: germline.
Comment: This sequence change replaces arginine, which is basic and polar, with glutamine, which is neutral and polar, at codon 211 of the BMP4 protein (p.Arg211Gln). This variant is present in population databases (rs777345984, gnomAD 0.006%). This variant has not been reported in the literature in individuals affected with BMP4-related conditions. ClinVar contains an entry for this variant (Variation ID: 2167325). Advanced modeling of protein sequence and biophysical properties (such as structural, functional, and spatial information, amino acid conservation, physicochemical variation, residue mobility, and thermodynamic stability) performed at Invitae indicates that this missense variant is not expected to disrupt BMP4 protein function with a negative predictive value of 80%. In summary, the available evidence is currently insufficient to determine the role of this variant in disease. Therefore, it has been classified as a Variant of Uncertain Significance.